The following is an entry in ClinVar:

NM_001042492.3(NF1):c.7465A>T (p.Lys2489Ter)

Gene: NF1 (neurofibromin 1; plus strand). Cytogenetic location: 17q11.2.
Variant type: single nucleotide variant.
Coding change: c.7465A>T on transcript NM_001042492.3 (MANE Select); coding-DNA position 7465, A replaced by T.
Protein change: p.Lys2489Ter; replaces lysine 2489 with a stop codon.
Molecular consequence: nonsense.
Genome position (GRCh38, 1-based): chr17:31,352,264, A>T. VCF-style: chr17-31352264-A-T. GRCh37 (hg19) VCF-style: chr17-29679282-A-T.
Other names: c.7402A>T, p.Lys2468Ter (NM_000267.4); short protein forms K2468*, K2489*.
Identifiers: ClinVar variation 861961 (VCV000861961.7), dbSNP rs1555536338, ClinGen allele CA399017411.

ClinVar aggregate classification (germline): Pathogenic. Review status: criteria provided, multiple submitters, no conflicts (2 of 4 stars). 2 submissions from 2 submitters: Pathogenic (2). Last evaluated 2022-12-14.

Conditions:
Neurofibromatosis, type 1 (NF1). Also called: Neurofibromatosis, type I; VON RECKLINGHAUSEN DISEASE; Peripheral type neurofibromatosis; NEUROFIBROMATOSIS, TYPE I, SOMATIC. Identifiers: Orphanet 636, MedGen C0027831, MONDO:0018975, OMIM 162200. Disease mechanism: loss of function.

Submissions (2):

GeneDx
Classification: Pathogenic. Last evaluated: 2022-12-14. Review status: criteria provided, single submitter. Criteria: GeneDx Variant Classification Process June 2021. Collection method: clinical testing. Allele origin: germline. Affected: yes.
Comment: Nonsense variant predicted to result in protein truncation or nonsense mediated decay in a gene for which loss of function is a known mechanism of disease; Not observed at significant frequency in large population cohorts (gnomAD); Has not been previously published as pathogenic or benign to our knowledge

Labcorp Genetics (formerly Invitae), Labcorp
Classification: Pathogenic for Neurofibromatosis, type 1. Last evaluated: 2019-01-25. Review status: criteria provided, single submitter. Criteria: Invitae Variant Classification Sherloc (09022015). Collection method: clinical testing. Allele origin: germline.
Comment: Loss-of-function variants in NF1 are known to be pathogenic (PMID: 10712197, 23913538). For these reasons, this variant has been classified as Pathogenic. This variant has not been reported in the literature in individuals with NF1-related conditions. This variant is not present in population databases (ExAC no frequency). This sequence change creates a premature translational stop signal (p.Lys2468*) in the NF1 gene. It is expected to result in an absent or disrupted protein product.

Literature cited by the submitters: PubMed 10712197 (cited by Labcorp Genetics (formerly Invitae), Labcorp); PubMed 23913538 (cited by Labcorp Genetics (formerly Invitae), Labcorp).